The following is an entry in ClinVar:

GRCh38/hg38 3q29(chr3:195755702-197583580)x3

Genes: BDH1 (3-hydroxybutyrate dehydrogenase 1), CEP19 (centrosomal protein 19; minus strand), DLG1 (discs large MAGUK scaffold protein 1; minus strand), DLG1-AS1 (DLG1 antisense RNA 1; plus strand), DYNLT2B (dynein light chain Tctex-type 2B; minus strand) and 131 more. Cytogenetic location: 3q29.
Variant type: copy number gain.
Change: copy number 3 (three copies instead of two) of chr3:195,755,702-197,583,580 (1.83 Mb, GRCh38 coordinates, 1-based), cytogenetic band 3q29.
Identifiers: ClinVar variation 59981 (VCV000059981.2).

ClinVar aggregate classification (germline): Pathogenic (0 of 4 stars; one submission).

Submission:

ISCA site 15
Classification: Pathogenic. Last evaluated: 2011-08-11. Review status: no assertion criteria provided. Collection method: clinical testing. Allele origin: de novo. Affected: yes. Observed: 1 variant allele.
Comment: Copy number variation identified through the course of routine clinical cytogenomic testing in postnatal populations. Clinical assertions have been curated as described in Kaminsky et al. 2011.

Copy number variation identified through the course of routine clinical cytogenomic testing in postnatal populations. Clinical assertions have been curated as described in Kaminsky, et al. 2011 (PubMed 21844811). For additional ClinGen data, please see nstd37.